The following is an entry in ClinVar:

ClinVar aggregate classification (germline): Uncertain significance (1 of 4 stars; one submission).

gnomAD v4.1: 1 of 1,402,082 alleles (0.000071%); highest among the groups gnomAD compares: Non-Finnish European, 0.000093%; no homozygotes.

Submission:

Labcorp Genetics (formerly Invitae), Labcorp
Classification: Uncertain significance. Last evaluated: 2022-05-25. Review status: criteria provided, single submitter. Criteria: Invitae Variant Classification Sherloc (09022015). Collection method: clinical testing. Allele origin: germline.
Comment: In summary, the available evidence is currently insufficient to determine the role of this variant in disease. Therefore, it has been classified as a Variant of Uncertain Significance. This sequence change replaces glycine, which is neutral and non-polar, with arginine, which is basic and polar, at codon 39 of the AUTS2 protein (p.Gly39Arg). This variant is not present in population databases (gnomAD no frequency). This variant has not been reported in the literature in individuals affected with AUTS2-related conditions. Algorithms developed to predict the effect of missense changes on protein structure and function are either unavailable or do not agree on the potential impact of this missense change (SIFT: "Deleterious"; PolyPhen-2: "Probably Damaging"; Align-GVGD: "Class C0").

NM_015570.4(AUTS2):c.115G>A (p.Gly39Arg)

Genes: AUTS2 (activator of transcription and developmental regulator AUTS2; plus strand), LOC129998550 (ATAC-STARR-seq lymphoblastoid silent region 18224; plus strand). Cytogenetic location: 7q11.22.
Variant type: single nucleotide variant.
Coding change: c.115G>A on transcript NM_015570.4 (MANE Select); coding-DNA position 115, G replaced by A.
Protein change: p.Gly39Arg; replaces glycine 39 with arginine.
Molecular consequence: missense variant.
Genome position (GRCh38, 1-based): chr7:69,599,768, G>A. VCF-style: chr7-69599768-G-A. GRCh37 (hg19) VCF-style: chr7-69064754-G-A.
Other names: c.115G>A, p.Gly39Arg (NM_001127231.3, NM_001127232.3); short protein forms G39R.
Identifiers: ClinVar variation 1955743 (VCV001955743.5), dbSNP rs1792269788, ClinGen allele CA367702888.